The following is an entry in ClinVar:

NM_016032.4(ZDHHC9):c.764C>T (p.Thr255Ile)

Gene: ZDHHC9 (zDHHC palmitoyltransferase 9; minus strand). Cytogenetic location: Xq26.1.
Variant type: single nucleotide variant.
Coding change: c.764C>T on transcript NM_016032.4 (MANE Select); coding-DNA position 764, C replaced by T.
Protein change: p.Thr255Ile; replaces threonine 255 with isoleucine.
Molecular consequence: missense variant.
Genome position (GRCh38, 1-based): chrX:129,812,731, G>A on the plus strand (C>T on the coding strand, the complement: ZDHHC9 is on the minus strand). VCF-style: chrX-129812731-G-A. GRCh37 (hg19) VCF-style: chrX-128946707-G-A.
Other names: c.764C>T, p.Thr255Ile (NM_001008222.3); short protein forms T255I.
Identifiers: ClinVar variation 3656577 (VCV003656577.2).

ClinVar aggregate classification (germline): Uncertain significance (1 of 4 stars; one submission).

Conditions:
Intellectual developmental disorder, X-linked, syndromic, Raymond type. Also called: Syndromic X-linked intellectual disability Raymond type. Identifiers: MedGen C3275406, MONDO:0010427, OMIM 300799.

Submission:

Labcorp Genetics (formerly Invitae), Labcorp
Classification: Uncertain significance for Intellectual developmental disorder, X-linked, syndromic, Raymond type. Last evaluated: 2024-06-13. Review status: criteria provided, single submitter. Criteria: Invitae Variant Classification Sherloc (09022015). Collection method: clinical testing. Allele origin: germline.
Comment: This sequence change replaces threonine, which is neutral and polar, with isoleucine, which is neutral and non-polar, at codon 255 of the ZDHHC9 protein (p.Thr255Ile). This variant is not present in population databases (gnomAD no frequency). This variant has not been reported in the literature in individuals affected with ZDHHC9-related conditions. Advanced modeling of protein sequence and biophysical properties (such as structural, functional, and spatial information, amino acid conservation, physicochemical variation, residue mobility, and thermodynamic stability) performed at Invitae indicates that this missense variant is expected to disrupt ZDHHC9 protein function with a positive predictive value of 80%. In summary, the available evidence is currently insufficient to determine the role of this variant in disease. Therefore, it has been classified as a Variant of Uncertain Significance.